The following is an entry in ClinVar:

ClinVar aggregate classification (germline): Uncertain significance (1 of 4 stars; one submission).

Allele frequency attached by ClinVar (database versions not stated): TOPMed 0.00012; ExAC 0.00013; gnomAD 0.00013; gnomAD exomes 0.00013; ESP Exome Variant Server 0.00015.
gnomAD v4.1: 203 of 1,613,882 alleles (0.013%); highest among the groups gnomAD compares: Non-Finnish European, 0.017%; no homozygotes.

Submission:

CeGaT Center for Human Genetics Tuebingen
Classification: Uncertain significance. Last evaluated: 2022-05-01. Review status: criteria provided, single submitter. Criteria: CeGaT Center For Human Genetics Tuebingen Variant Classification Criteria Version 2. Collection method: clinical testing. Allele origin: germline. Affected: yes. Observed: 1 variant allele.
Comment: MAP3K20: PM2, BP4

NM_016653.3(MAP3K20):c.987+4003G>A

Genes: MAP3K20 (mitogen-activated protein kinase kinase kinase 20; plus strand), MAP3K20-AS1 (MAP3K20 antisense RNA 1; minus strand). Cytogenetic location: 2q31.1.
Variant type: single nucleotide variant.
Coding change: c.987+4003G>A on transcript NM_016653.3 (MANE Select); 4003 bases into the intron after coding-DNA position 987, G replaced by A.
Molecular consequence: intron variant. On other transcripts: missense variant (1).
Genome position (GRCh38, 1-based): chr2:173,221,253, G>A. VCF-style: chr2-173221253-G-A. GRCh37 (hg19) VCF-style: chr2-174085981-G-A.
Other names: c.1091G>A, p.Ser364Asn (NM_133646.3); short protein forms S364N.
Identifiers: ClinVar variation 2651546 (VCV002651546.24), dbSNP rs143987879, ClinGen allele CA1970629.